The following is an entry in ClinVar:

NM_182641.4(BPTF):c.6170T>A (p.Ile2057Asn)

Gene: BPTF (bromodomain PHD finger transcription factor; plus strand). Cytogenetic location: 17q24.2.
Variant type: single nucleotide variant.
Coding change: c.6170T>A on transcript NM_182641.4 (MANE Select); coding-DNA position 6170, T replaced by A.
Protein change: p.Ile2057Asn; replaces isoleucine 2057 with asparagine.
Molecular consequence: missense variant.
Genome position (GRCh38, 1-based): chr17:67,931,930, T>A. VCF-style: chr17-67931930-T-A. GRCh37 (hg19) VCF-style: chr17-65928046-T-A.
Other names: c.6548T>A, p.Ile2183Asn (NM_004459.7); short protein forms I2057N, I2183N.
Identifiers: ClinVar variation 2632839 (VCV002632839.1), dbSNP rs2064426017, ClinGen allele CA400718563.
Genomic context (GRCh38, chr17:67,931,930, plus strand): 5'-TTTAAAGCATTTTAATTCATTGTTCTTTGTGTCATTTATAGGTAATCACAGGGCCTCAGA[T>A]TCGCCCTGGTATGACCGTGATTAGAACACCACTCCAACAGTCAACACTAGGAAAGGCAAT-3'
Protein context (NP_872579.2, residues 2047-2067): SNSQVITGPQ[Ile2057Asn]RPGMTVIRTP

ClinVar aggregate classification (germline): Uncertain significance (1 of 4 stars; one submission).

Conditions:
BPTF-related disorder. Also called: BPTF-related condition.

Allele frequency attached by ClinVar (database versions not stated): TOPMed below 0.00001.

Submission:

PreventionGenetics, part of Exact Sciences
Classification: Uncertain significance for BPTF-related condition. Last evaluated: 2023-05-18. Review status: criteria provided, single submitter. Criteria: ACMG Guidelines, 2015. Collection method: clinical testing. Allele origin: germline.
Comment: The BPTF c.6170T>A variant is predicted to result in the amino acid substitution p.Ile2057Asn. To our knowledge, this variant has not been reported in the literature or in a large population database, indicating this variant is rare. At this time, the clinical significance of this variant is uncertain due to the absence of conclusive functional and genetic evidence.